The following is an entry in ClinVar:

ClinVar aggregate classification (germline): Uncertain significance (1 of 4 stars; one submission).

Conditions:
Chédiak-Higashi syndrome (CHS). Also called: Chediak-Higashi Syndrome. Identifiers: Orphanet 167, MedGen C0007965, MONDO:0008963, OMIM 214500.

Submission:

Labcorp Genetics (formerly Invitae), Labcorp
Classification: Uncertain significance for Chédiak-Higashi syndrome. Last evaluated: 2021-08-29. Review status: criteria provided, single submitter. Criteria: Invitae Variant Classification Sherloc (09022015). Collection method: clinical testing. Allele origin: germline.
Comment: This sequence change replaces threonine with serine at codon 2111 of the LYST protein (p.Thr2111Ser). The threonine residue is moderately conserved and there is a small physicochemical difference between threonine and serine. This variant is not present in population databases (ExAC no frequency). This variant has not been reported in the literature in individuals affected with LYST-related conditions. Algorithms developed to predict the effect of missense changes on protein structure and function (SIFT, PolyPhen-2, Align-GVGD) all suggest that this variant is likely to be tolerated. In summary, the available evidence is currently insufficient to determine the role of this variant in disease. Therefore, it has been classified as a Variant of Uncertain Significance.

NM_000081.4(LYST):c.6331A>T (p.Thr2111Ser)

Gene: LYST (lysosomal trafficking regulator; minus strand). Cytogenetic location: 1q42.3.
Variant type: single nucleotide variant.
Coding change: c.6331A>T on transcript NM_000081.4 (MANE Select); coding-DNA position 6331, A replaced by T.
Protein change: p.Thr2111Ser; replaces threonine 2111 with serine.
Molecular consequence: missense variant.
Genome position (GRCh38, 1-based): chr1:235,759,522, T>A on the plus strand (A>T on the coding strand, the complement: LYST is on the minus strand). VCF-style: chr1-235759522-T-A. GRCh37 (hg19) VCF-style: chr1-235922822-T-A.
Other names: c.6331A>T, p.Thr2111Ser (NM_001301365.1); short protein forms T2111S.
Identifiers: ClinVar variation 1378541 (VCV001378541.5), dbSNP rs986570709, ClinGen allele CA344942756.